The following is an entry in ClinVar:

ClinVar aggregate classification (germline): Benign (1 of 4 stars; one submission).

Allele frequency attached by ClinVar (database versions not stated): gnomAD exomes 0.42335; gnomAD 0.51534 and 0.51951; 1000 Genomes Project 0.65136; TOPMed 0.54103; 1000 Genomes Project 30x 0.65162.

Submission:

GeneDx
Classification: Benign. Last evaluated: 2018-06-20. Review status: criteria provided, single submitter. Criteria: GeneDx Variant Classification (06012015). Collection method: clinical testing. Allele origin: germline. Affected: yes.
Comment: This variant is considered likely benign or benign based on one or more of the following criteria: it is a conservative change, it occurs at a poorly conserved position in the protein, it is predicted to be benign by multiple in silico algorithms, and/or has population frequency not consistent with disease.

NM_024426.4(WT1):c.-247T>C

Genes: WT1 (WT1 transcription factor; minus strand), WT1-AS (WT1 antisense RNA; plus strand), LOC107982234 (WT1/WT1-AS bi-directional promoter region; plus strand). Cytogenetic location: 11p13.
Variant type: single nucleotide variant.
Coding change: c.-247T>C on transcript NM_024426.4; 247 bases upstream of the start codon, T replaced by C.
Molecular consequence: non-coding transcript variant (on NR_023920.2).
Genome position (GRCh38, 1-based): chr11:32,435,592, A>G on the plus strand (T>C on the coding strand, the complement: WT1 is on the minus strand). VCF-style: chr11-32435592-A-G. GRCh37 (hg19) VCF-style: chr11-32457138-A-G.
Identifiers: ClinVar variation 677249 (VCV000677249.3), dbSNP rs2234580, ClinGen allele CA13440153.